The following is an entry in ClinVar:

NM_001005361.3(DNM2):c.2585G>A (p.Arg862His)

Gene: DNM2 (dynamin 2; plus strand). Cytogenetic location: 19p13.2.
Variant type: single nucleotide variant.
Coding change: c.2585G>A on transcript NM_001005361.3 (MANE Select); coding-DNA position 2585, G replaced by A.
Protein change: p.Arg862His; replaces arginine 862 with histidine.
Molecular consequence: missense variant.
Genome position (GRCh38, 1-based): chr19:10,831,019, G>A. VCF-style: chr19-10831019-G-A. GRCh37 (hg19) VCF-style: chr19-10941695-G-A.
Other names: c.2585G>A, p.Arg862His (NM_001005360.3); c.2573G>A, p.Arg858His (NM_001005362.3, NM_004945.4); c.2582G>A, p.Arg861His (NM_001190716.2); short protein forms R858H, R861H, R862H.
Identifiers: ClinVar variation 1708948 (VCV001708948.4), dbSNP rs369312570, ClinGen allele CA9201669.
Genomic context (GRCh38, chr19:10,831,019, plus strand): 5'-GTCTTTATTCTCTTTGCAGCAGAAGACCCCCTGCTGCGCCCAGCCGGCCCACCATTATCC[G>A]CCCAGCCGAGCCATCCCTGCTCGACTAGGCCTCGAGGGGGGCGTGCTCTCGGGGGGGCCT-3'
Protein context (NP_001005361.1, residues 852-870): PAAPSRPTII[Arg862His]PAEPSLLD

ClinVar aggregate classification (germline): Uncertain significance. Review status: criteria provided, multiple submitters, no conflicts (2 of 4 stars). 2 submissions from 2 submitters: Uncertain significance (2). Last evaluated 2024-02-08.

Conditions:
Charcot-Marie-Tooth disease dominant intermediate B (CMTDIB). Also called: Charcot-Marie-Tooth disease dominant intermediate 1; CMT DI1; Charcot-Marie-Tooth disease dominant intermediate I; CHARCOT-MARIE-TOOTH NEUROPATHY, DOMINANT INTERMEDIATE B. Identifiers: Orphanet 100044, Orphanet 228179, MedGen C1847902, MONDO:0011674, OMIM 606482.

Allele frequency attached by ClinVar (database versions not stated): ExAC 0.00003; ESP Exome Variant Server 0.00008.
gnomAD v4.1: 6 of 1,610,662 alleles (0.00037%); highest among the groups gnomAD compares: East Asian, 0.0022%; no homozygotes.

Submissions (2):

Labcorp Genetics (formerly Invitae), Labcorp
Classification: Uncertain significance for Charcot-Marie-Tooth disease dominant intermediate B. Last evaluated: 2024-02-08. Review status: criteria provided, single submitter. Criteria: Invitae Variant Classification Sherloc (09022015). Collection method: clinical testing. Allele origin: germline.
Comment: This sequence change replaces arginine, which is basic and polar, with histidine, which is basic and polar, at codon 862 of the DNM2 protein (p.Arg862His). The frequency data for this variant in the population databases is considered unreliable, as metrics indicate poor data quality at this position in the gnomAD database. This variant has not been reported in the literature in individuals affected with DNM2-related conditions. ClinVar contains an entry for this variant (Variation ID: 1708948). Advanced modeling of protein sequence and biophysical properties (such as structural, functional, and spatial information, amino acid conservation, physicochemical variation, residue mobility, and thermodynamic stability) has been performed at Invitae for this missense variant, however the output from this modeling did not meet the statistical confidence thresholds required to predict the impact of this variant on DNM2 protein function. In summary, the available evidence is currently insufficient to determine the role of this variant in disease. Therefore, it has been classified as a Variant of Uncertain Significance.

MGZ Medical Genetics Center
Classification: Uncertain significance for Charcot-Marie-Tooth disease dominant intermediate B. Last evaluated: 2021-10-28. Review status: criteria provided, single submitter. Criteria: ACMG Guidelines, 2015. Collection method: clinical testing. Allele origin: germline. Affected: yes. Observed: 1 variant allele.
Comment: ACMG criteria applied: PM2_SUP, BP4